The following is an entry in ClinVar:

ClinVar aggregate classification (germline): Likely benign. Review status: criteria provided, multiple submitters, no conflicts (2 of 4 stars). 4 submissions from 4 submitters: Likely benign (4). Last evaluated 2026-01-15.

Conditions:
Cardiovascular phenotype. Identifiers: MedGen CN230736.
Autosomal recessive limb-girdle muscular dystrophy type 2J (LGMDR10). Also called: MUSCULAR DYSTROPHY, LIMB-GIRDLE, AUTOSOMAL RECESSIVE 10; Limb-girdle muscular dystrophy, type 2J. Identifiers: Orphanet 140922, MedGen C1837342, MONDO:0012127, OMIM 608807.
Dilated cardiomyopathy 1G (CMD1G). Identifiers: Orphanet 154, MedGen C1858763, MONDO:0011400, OMIM 604145.

Allele frequency attached by ClinVar (database versions not stated): ExAC 0.00001; gnomAD 0.00001; TOPMed 0.00001.
gnomAD v4.1: 9 of 1,613,806 alleles (0.00056%); highest among the groups gnomAD compares: Middle Eastern, 0.033%; no homozygotes.

Submissions (4):

Labcorp Genetics (formerly Invitae), Labcorp
Classification: Likely benign for Dilated cardiomyopathy 1G; Autosomal recessive limb-girdle muscular dystrophy type 2J. Last evaluated: 2026-01-15. Review status: criteria provided, single submitter. Criteria: Invitae Variant Classification Sherloc (09022015). Collection method: clinical testing. Allele origin: germline.

Molecular Diagnostic Laboratory for Inherited Cardiovascular Disease, Montreal Heart Institute
Classification: Likely benign. Last evaluated: 2025-04-09. Review status: criteria provided, single submitter. Criteria: ACMG Guidelines, 2015. Collection method: clinical testing. Allele origin: germline. Affected: no.

CeGaT Center for Human Genetics Tuebingen
Classification: Likely benign. Last evaluated: 2025-02-01. Review status: criteria provided, single submitter. Criteria: CeGaT Center For Human Genetics Tuebingen Variant Classification Criteria Version 2. Collection method: clinical testing. Allele origin: germline. Affected: yes. Observed: 1 variant allele.
Comment: TTN: BP4, BP7

Ambry Genetics
Classification: Likely benign for Cardiovascular phenotype. Last evaluated: 2022-10-27. Review status: criteria provided, single submitter. Criteria: Ambry Variant Classification Scheme 2023. Collection method: clinical testing. Allele origin: germline.

NM_001267550.2(TTN):c.87624C>T (p.Tyr29208=)

Genes: TTN (titin; minus strand), TTN-AS1 (TTN antisense RNA 1; plus strand). Cytogenetic location: 2q31.2.
Variant type: single nucleotide variant.
Coding change: c.87624C>T on transcript NM_001267550.2 (MANE Select); coding-DNA position 87624, C replaced by T.
Protein change: p.Tyr29208=; no amino-acid change (tyrosine 29208 retained).
Molecular consequence: synonymous variant.
Genome position (GRCh38, 1-based): chr2:178,557,730, G>A on the plus strand (C>T on the coding strand, the complement: TTN is on the minus strand). VCF-style: chr2-178557730-G-A. GRCh37 (hg19) VCF-style: chr2-179422457-G-A.
Other names: c.82701C>T, p.Tyr27567= (NM_001256850.1); c.60429C>T, p.Tyr20143= (NM_003319.4); c.79920C>T, p.Tyr26640= (NM_133378.4); c.60804C>T, p.Tyr20268= (NM_133432.3); c.61005C>T, p.Tyr20335= (NM_133437.4).
Identifiers: ClinVar variation 1751244 (VCV001751244.19), dbSNP rs772121356, ClinGen allele CA1988288.